The following is an entry in ClinVar:

ClinVar aggregate classification (germline): Pathogenic. Review status: criteria provided, multiple submitters, no conflicts (2 of 4 stars). 2 submissions from 2 submitters: Pathogenic (2). Last evaluated 2026-03-17.

Conditions:
Lynch syndrome 5 (LYNCH5). Also called: Colorectal cancer, hereditary nonpolyposis, type 5; Hereditary non-polyposis colorectal cancer, type 5. Identifiers: Orphanet 144, MedGen C1833477, MONDO:0013710, OMIM 614350. Disease mechanism: loss of function.
Hereditary nonpolyposis colorectal neoplasms. Identifiers: MedGen C0009405, MeSH D003123.

Submissions (2):

Myriad Genetics, Inc.
Classification: Pathogenic for Lynch syndrome 5. Last evaluated: 2026-03-17. Review status: criteria provided, single submitter. Criteria: Myriad Autosomal Dominant, Autosomal Recessive and X-Linked Classification Criteria (2023). Collection method: clinical testing. Allele origin: unknown.
Comment: This variant is considered pathogenic. This variant creates a frameshift predicted to result in premature protein truncation.

Labcorp Genetics (formerly Invitae), Labcorp
Classification: Pathogenic for Hereditary nonpolyposis colorectal neoplasms. Last evaluated: 2024-06-29. Review status: criteria provided, single submitter. Criteria: Invitae Variant Classification Sherloc (09022015). Collection method: clinical testing. Allele origin: germline.
Comment: This sequence change creates a premature translational stop signal (p.Asp1112Argfs*3) in the MSH6 gene. It is expected to result in an absent or disrupted protein product. Loss-of-function variants in MSH6 are known to be pathogenic (PMID: 18269114, 24362816). This variant is not present in population databases (gnomAD no frequency). This variant has not been reported in the literature in individuals affected with MSH6-related conditions. For these reasons, this variant has been classified as Pathogenic.

Literature cited by the submitters: PubMed 18269114 (cited by Labcorp Genetics (formerly Invitae), Labcorp); PubMed 24362816 (cited by Labcorp Genetics (formerly Invitae), Labcorp).

NM_000179.3(MSH6):c.3334_3344del (p.Asp1112fs)

Gene: MSH6 (mutS homolog 6; plus strand). Cytogenetic location: 2p16.3.
Variant type: Deletion.
Coding change: c.3334_3344del on transcript NM_000179.3 (MANE Select); coding-DNA positions 3334 to 3344, 11 bases deleted (GACATTCTAAT).
Protein change: p.Asp1112fs; shifts the reading frame from aspartic acid 1112.
Molecular consequence: frameshift variant. On other transcripts: non-coding transcript variant (5), intron variant (1).
Genome position (GRCh38, 1-based): chr2:47,803,581-47,803,591, GACATTCTAAT deleted; deleting any 11 consecutive bases within chr2:47,803,576-47,803,591 gives the same sequence; the c. name uses the placement nearest the transcript's 3' end. VCF-style (leftmost placement, unchanged base first): chr2-47803575-CCTAATGACATT-C. GRCh37 (hg19) VCF-style: chr2-48030714-CCTAATGACATT-C.
Other names: c.3037_3047del, p.Asp1013fs (NM_001406797.1, NM_001406801.1, NM_001406805.1 and 10 more transcripts); c.2809_2819del, p.Asp937fs (NM_001406799.1, NM_001406806.1, NM_001406807.1); c.3334_3344del, p.Asp1112fs (NM_001406800.1, NM_001406796.1, NM_001406808.1 and 1 more transcripts); c.3430_3440del, p.Asp1144fs (NM_001406802.1, NM_001406795.1); c.2470_2480del, p.Asp824fs (NM_001406803.1); c.3256_3266del, p.Asp1086fs (NM_001406804.1); c.2428_2438del, p.Asp810fs (NM_001406816.1, NM_001406823.1, NM_001281493.2 and 6 more transcripts); c.1768_1778del, p.Asp590fs (NM_001406817.1); and 7 more; short protein forms D1112fs, D39fs, D590fs, D810fs, D982fs, D1086fs, D427fs, D937fs.
Identifiers: ClinVar variation 3658218 (VCV003658218.3).